The following is an entry in ClinVar:

NM_201384.3(PLEC):c.5723G>A (p.Arg1908Gln)

Gene: PLEC (plectin; minus strand). Cytogenetic location: 8q24.3.
Variant type: single nucleotide variant.
Coding change: c.5723G>A on transcript NM_201384.3 (MANE Select); coding-DNA position 5723, G replaced by A.
Protein change: p.Arg1908Gln; replaces arginine 1908 with glutamine.
Molecular consequence: missense variant.
Genome position (GRCh38, 1-based): chr8:143,924,206, C>T on the plus strand (G>A on the coding strand, the complement: PLEC is on the minus strand). VCF-style: chr8-143924206-C-T. GRCh37 (hg19) VCF-style: chr8-144998374-C-T.
Other names: c.5804G>A, p.Arg1935Gln (NM_000445.5); c.5681G>A, p.Arg1894Gln (NM_201378.4); c.5657G>A, p.Arg1886Gln (NM_201379.3); c.6134G>A, p.Arg2045Gln (NM_201380.4); c.5627G>A, p.Arg1876Gln (NM_201381.3); c.5723G>A, p.Arg1908Gln (NM_201382.4); c.5735G>A, p.Arg1912Gln (NM_201383.3); c.5804G>A (NM_000445.3); short protein forms R1894Q, R1908Q, R1876Q, R1886Q, R2045Q, R1912Q, R1935Q.
Identifiers: ClinVar variation 571120 (VCV000571120.10), dbSNP rs369142466, ClinGen allele CA4926261.

ClinVar aggregate classification (germline): Uncertain significance. Review status: criteria provided, multiple submitters, no conflicts (2 of 4 stars). 4 submissions from 4 submitters: Uncertain significance (4). Last evaluated 2025-07-13.

Conditions:
PLEC-related disorder. Also called: PLEC-related disorders; PLEC-related condition.
Epidermolysis bullosa simplex 5B, with muscular dystrophy (EBS5B). Also called: EPIDERMOLYSIS BULLOSA SIMPLEX AND LIMB-GIRDLE MUSCULAR DYSTROPHY; Epidermolysis bullosa simplex with muscular dystrophy. Identifiers: Orphanet 257, MedGen C2931072, MONDO:0009181, OMIM 226670.
Epidermolysis bullosa simplex, Ogna type (EBS5A). Also called: Pidermolysis bullosa simplex 5A, Ogna type; EPIDERMOLYSIS BULLOSA SIMPLEX 5A, OGNA TYPE. Identifiers: Orphanet 79401, MedGen C0432317, MONDO:0007555, OMIM 131950.
Autosomal recessive limb-girdle muscular dystrophy type 2Q (LGMDR17). Also called: MUSCULAR DYSTROPHY, LIMB-GIRDLE, AUTOSOMAL RECESSIVE 17. Identifiers: Orphanet 254361, MedGen C3150989, MONDO:0013390, OMIM 613723.
Epidermolysis bullosa simplex with nail dystrophy (EBS5D). Identifiers: MedGen C4225309, MONDO:0014661, OMIM 616487.
Epidermolysis bullosa simplex 5C, with pyloric atresia (EBS5C). Also called: PLEC-Related Epidermolysis Bullosa with Pyloric Atresia; Epidermolysis bullosa simplex with pyloric atresia; PLEC1-Related Epidermolysis Bullosa with Pyloric Atresia. Identifiers: Orphanet 158684, MedGen C2677349, MONDO:0012807, OMIM 612138.
Inborn genetic diseases. Identifiers: MedGen C0950123, MeSH D030342.

Allele frequency attached by ClinVar (database versions not stated): ExAC 0.00002; TOPMed 0.00002; gnomAD 0.00003; gnomAD exomes 0.00003; ESP Exome Variant Server 0.00008.
gnomAD v4.1: 73 of 1,598,830 alleles (0.0046%); highest among the groups gnomAD compares: Admixed American, 0.038%; no homozygotes.

Submissions (4):

Labcorp Genetics (formerly Invitae), Labcorp
Classification: Uncertain significance for Autosomal recessive limb-girdle muscular dystrophy type 2Q; Epidermolysis bullosa simplex, Ogna type; Epidermolysis bullosa simplex with nail dystrophy; Epidermolysis bullosa simplex 5C, with pyloric atresia; Epidermolysis bullosa simplex 5B, with muscular dystrophy. Last evaluated: 2025-07-13. Review status: criteria provided, single submitter. Criteria: Invitae Variant Classification Sherloc (09022015). Collection method: clinical testing. Allele origin: germline.
Comment: This sequence change replaces arginine, which is basic and polar, with glutamine, which is neutral and polar, at codon 1935 of the PLEC protein (p.Arg1935Gln). This variant is present in population databases (rs369142466, gnomAD 0.02%). This variant has not been reported in the literature in individuals affected with PLEC-related conditions. ClinVar contains an entry for this variant (Variation ID: 571120). Experimental studies and prediction algorithms are not available or were not evaluated, and the functional significance of this variant is currently unknown. In summary, the available evidence is currently insufficient to determine the role of this variant in disease. Therefore, it has been classified as a Variant of Uncertain Significance.

Ambry Genetics
Classification: Uncertain significance for Inborn genetic diseases. Last evaluated: 2023-12-15. Review status: criteria provided, single submitter. Criteria: Ambry Variant Classification Scheme 2023. Collection method: clinical testing. Allele origin: germline.

PreventionGenetics, part of Exact Sciences
Classification: Uncertain significance for PLEC-related condition. Last evaluated: 2023-09-14. Review status: criteria provided, single submitter. Criteria: ACMG Guidelines, 2015. Collection method: clinical testing. Allele origin: germline.
Comment: The PLEC c.5804G>A variant is predicted to result in the amino acid substitution p.Arg1935Gln. To our knowledge, this variant has not been reported in the literature. This variant is reported in 0.021% of alleles in individuals of East Asian descent in gnomAD. At this time, the clinical significance of this variant is uncertain due to the absence of conclusive functional and genetic evidence.

Revvity Omics, Revvity
Classification: Uncertain significance. Last evaluated: 2021-05-25. Review status: criteria provided, single submitter. Criteria: ACMG Guidelines, 2015. Collection method: clinical testing. Allele origin: germline.